The following is an entry in ClinVar:

ClinVar aggregate classification (germline): Likely benign (1 of 4 stars; one submission).

Conditions:
Catecholaminergic polymorphic ventricular tachycardia (CVPT). Also called: Catecholamine-induced polymorphic ventricular tachycardia. Identifiers: Orphanet 3286, MedGen C5574922, MONDO:0017990.

Submission:

All of Us Research Program, National Institutes of Health
Classification: Likely benign for Catecholaminergic polymorphic ventricular tachycardia. Last evaluated: 2023-06-08. Review status: criteria provided, single submitter. Criteria: ACMG Guidelines, 2015. Collection method: clinical testing. Allele origin: germline. Inheritance: Autosomal dominant inheritance. Observed: 1 variant allele, 1 heterozygote.
Comment: This study involves interpretation of variants in research participants for the purpose of population health screening. Participant phenotype was not available at the time of variant classification. Additional details can be found in publication PMID: 35346344, PMCID: PMC8962531

NM_001035.3(RYR2):c.7728T>A (p.Ile2576=)

Gene: RYR2 (ryanodine receptor 2; plus strand). Cytogenetic location: 1q43.
Variant type: single nucleotide variant.
Coding change: c.7728T>A on transcript NM_001035.3 (MANE Select); coding-DNA position 7728, T replaced by A.
Protein change: p.Ile2576=; no amino-acid change (isoleucine 2576 retained).
Molecular consequence: synonymous variant.
Genome position (GRCh38, 1-based): chr1:237,650,092, T>A. VCF-style: chr1-237650092-T-A. GRCh37 (hg19) VCF-style: chr1-237813392-T-A.
Identifiers: ClinVar variation 3071653 (VCV003071653.1), dbSNP rs2547038477, ClinGen allele CA423820090.
Genomic context (GRCh38, chr1:237,650,092, plus strand): 5'-TAAGGGCTGTTCACTTACCAAAGCTCAGCGGGATTCCATAGAAGTTTGTTTACTCTCTAT[T>A]TGTGGGTGAGTGGATAACAAATTCTATTCCGGCTTCTTCTTTAAAAAACAGAATTTACAA-3'
Protein context (NP_001026.2, residues 2566-2586): RDSIEVCLLS[Ile2576=]CGQLRPSMMQ